The following is an entry in ClinVar:

NM_025114.4(CEP290):c.2483+5A>G

Gene: CEP290 (centrosomal protein 290; minus strand). Cytogenetic location: 12q21.32.
Variant type: single nucleotide variant.
Coding change: c.2483+5A>G on transcript NM_025114.4 (MANE Select); 5 bases into the intron after coding-DNA position 2483, A replaced by G.
Molecular consequence: intron variant.
Genome position (GRCh38, 1-based): chr12:88,109,061, T>C on the plus strand (A>G on the coding strand, the complement: CEP290 is on the minus strand). VCF-style: chr12-88109061-T-C. GRCh37 (hg19) VCF-style: chr12-88502838-T-C.
Identifiers: ClinVar variation 1371328 (VCV001371328.7), dbSNP rs2137661741, ClinGen allele CA2573149015.
Genomic context (GRCh38, chr12:88,109,061, plus strand): 5'-ACGTTACTTTCACAATTAACAAGAATATACTGCAATTATATTTATAGTTTTGCTAATACC[T>C]ATACCTTAGGTATTCTTTATACAACAAACTTTGTTGATGACGAATTACAGCAAATTTTCT-3'

ClinVar aggregate classification (germline): Uncertain significance. Review status: criteria provided, multiple submitters, no conflicts (2 of 4 stars). 2 submissions from 2 submitters: Uncertain significance (2). Last evaluated 2022-01-07.

Conditions:
Senior-Loken syndrome 6 (SLSN6). Identifiers: Orphanet 3156, MedGen C1857779, MONDO:0012433, OMIM 610189.
Joubert syndrome 5 (JBTS5). Identifiers: Orphanet 2318, MedGen C1857780, MONDO:0012432, OMIM 610188.
Bardet-Biedl syndrome 14 (BBS14). Identifiers: Orphanet 110, MedGen C2673874, MONDO:0014442, OMIM 615991.
Leber congenital amaurosis 10 (LCA10). Identifiers: Orphanet 65, MedGen C1857821, MONDO:0012723, OMIM 611755.
Meckel syndrome, type 4 (MKS4). Also called: MECKEL-GRUBER SYNDROME, TYPE 4. Identifiers: Orphanet 564, MedGen C1970161, MONDO:0012626, OMIM 611134.
Joubert syndrome. Also called: CEREBELLOPARENCHYMAL DISORDER IV; JOUBERT-BOLTSHAUSER SYNDROME; Familial aplasia of the vermis. Identifiers: Orphanet 475, MedGen C5979921, MONDO:0018772.
Nephronophthisis. Also called: Juvenile Nephronophthisis. Identifiers: Orphanet 655, MedGen C0687120, MONDO:0019005, HP:0000090.
Meckel-Gruber syndrome. Also called: DYSENCEPHALIA SPLANCHNOCYSTICA; GRUBER SYNDROME; Dysencephalia splachnocystica. Identifiers: Orphanet 564, MedGen C0265215, MONDO:0018921.

Submissions (2):

Fulgent Genetics
Classification: Uncertain significance for Joubert syndrome 5; Senior-Loken syndrome 6; Meckel syndrome, type 4; Leber congenital amaurosis 10; Bardet-Biedl syndrome 14. Last evaluated: 2022-01-07. Review status: criteria provided, single submitter. Criteria: ACMG Guidelines, 2015. Collection method: clinical testing. Allele origin: unknown.

Labcorp Genetics (formerly Invitae), Labcorp
Classification: Uncertain significance for Joubert syndrome; Meckel-Gruber syndrome; Nephronophthisis. Last evaluated: 2021-12-02. Review status: criteria provided, single submitter. Criteria: Invitae Variant Classification Sherloc (09022015). Collection method: clinical testing. Allele origin: germline.
Comment: This sequence change falls in intron 23 of the CEP290 gene. It does not directly change the encoded amino acid sequence of the CEP290 protein. It affects a nucleotide within the consensus splice site. This variant is not present in population databases (gnomAD no frequency). This variant has not been reported in the literature in individuals affected with CEP290-related conditions. Variants that disrupt the consensus splice site are a relatively common cause of aberrant splicing (PMID: 17576681, 9536098). Algorithms developed to predict the effect of sequence changes on RNA splicing suggest that this variant may create or strengthen a splice site. In summary, the available evidence is currently insufficient to determine the role of this variant in disease. Therefore, it has been classified as a Variant of Uncertain Significance.

Literature cited by the submitters: PubMed 17576681 (cited by Labcorp Genetics (formerly Invitae), Labcorp); PubMed 9536098 (cited by Labcorp Genetics (formerly Invitae), Labcorp).